The following is an entry in ClinVar:

ClinVar aggregate classification (germline): Uncertain significance (1 of 4 stars; one submission).

Conditions:
Familial adenomatous polyposis 1 (FAP1). Also called: FAMILIAL ADENOMATOUS POLYPOSIS 1, ATTENUATED; POLYPOSIS, ADENOMATOUS INTESTINAL. Identifiers: MedGen C2713442, MONDO:0021056, OMIM 175100. Disease mechanism: loss of function.

Submission:

Labcorp Genetics (formerly Invitae), Labcorp
Classification: Uncertain significance for Familial adenomatous polyposis 1. Last evaluated: 2023-08-28. Review status: criteria provided, single submitter. Criteria: Invitae Variant Classification Sherloc (09022015). Collection method: clinical testing. Allele origin: germline.
Comment: This variant occurs in a non-coding region of the APC gene. It does not change the encoded amino acid sequence of the APC protein. In summary, the available evidence is currently insufficient to determine the role of this variant in disease. Therefore, it has been classified as a Variant of Uncertain Significance. Experimental studies and prediction algorithms are not available or were not evaluated, and the functional significance of this variant is currently unknown. This variant has not been reported in the literature in individuals affected with APC-related conditions. This variant is not present in population databases (gnomAD no frequency).

NM_001127511.3(APC):c.-167G>T

Gene: APC (APC regulator of Wnt signaling pathway; plus strand). Cytogenetic location: 5q22.2.
Variant type: single nucleotide variant.
Coding change: c.-167G>T on transcript NM_001127511.3; 167 bases upstream of the start codon, G replaced by T.
Molecular consequence: 5 prime UTR variant. On other transcripts: non-coding transcript variant (2).
Genome position (GRCh38, 1-based): chr5:112,707,551, G>T. VCF-style: chr5-112707551-G-T. GRCh37 (hg19) VCF-style: chr5-112043248-G-T.
Other names: c.-350G>T (NM_001354895.2, NM_001407447.1, NM_001407452.1 and 3 more transcripts); c.-167G>T (NM_001354897.2, NM_001354902.2, NM_001407446.1); c.-117G>T (NM_001407448.1, NM_001407450.1, NM_001407457.1 and 1 more transcripts); c.-141G>T (NM_001407453.1); c.-1385G>T (NM_001407470.1, NM_001407472.1).
Identifiers: ClinVar variation 2755836 (VCV002755836.3), dbSNP rs1278244063, ClinGen allele CA2674863516.